The following is an entry in ClinVar:

NM_015450.3(POT1):c.1067CTC[1] (p.Pro357del)

Gene: POT1 (protection of telomeres 1; minus strand). Cytogenetic location: 7q31.33.
Variant type: Microsatellite.
Coding change: c.1067CTC[1] on transcript NM_015450.3 (MANE Select); one copy of the 3-base unit CTC starting at c.1067; the reference has two copies in a row; one copy, 3 bases deleted.
Protein change: p.Pro357del; deletes proline 357.
Molecular consequence: inframe deletion. On other transcripts: non-coding transcript variant (3).
Genome position (GRCh38, 1-based): chr7:124,842,898-124,842,900, GAG deleted on the plus strand (CTC on the coding strand, the reverse complement: POT1 is on the minus strand); deleting any 3 consecutive bases within chr7:124,842,898-124,842,903 gives the same sequence; the position shown is the placement nearest the transcript's 3' end. VCF-style (leftmost placement, unchanged base first): chr7-124842897-TGAG-T. GRCh37 (hg19) VCF-style: chr7-124482951-TGAG-T.
Other names: c.674CTC[1], p.Pro226del (NM_001042594.2); short protein forms P226del, P357del.
Identifiers: ClinVar variation 3781996 (VCV003781996.1).
Genomic context (GRCh38, chr7:124,842,897, plus strand): 5'-ACAGACTGAAATAGTCTTCTGGGCTTATATGACCTCAATTTTGCTCGGATGCGGTATTGT[TGAG>T]GAGCTTTTTGTTTCAAAATGGCACATAGTGGTGTCCTCTCCAAATACTGATGATCTGTAA-3'

ClinVar aggregate classification (germline): Uncertain significance (1 of 4 stars; one submission).

Conditions:
Hereditary cancer-predisposing syndrome. Also called: Neoplastic Syndromes, Hereditary; Hereditary Cancer Syndrome; Tumor predisposition; Hereditary neoplastic syndrome. Identifiers: Orphanet 140162, MedGen C0027672, MeSH D009386, MONDO:0015356.

Submission:

Ambry Genetics
Classification: Uncertain significance for Hereditary cancer-predisposing syndrome. Last evaluated: 2025-01-30. Review status: criteria provided, single submitter. Criteria: Ambry Variant Classification Scheme 2023. Collection method: clinical testing. Allele origin: germline.
Comment: The c.1070_1072delCTC variant (also known as p.P357del) is located in coding exon 9 of the POT1 gene. This variant results from an in-frame CTC deletion at nucleotide positions 1070 to 1072. This results in the in-frame deletion of a proline at codon 357. This amino acid position is highly conserved in available vertebrate species. In addition, this alteration is predicted to be deleterious by in silico analysis (Choi Y et al. PLoS ONE. 2012; 7(10):e46688). Based on the available evidence, the clinical significance of this variant remains unclear.